The following is an entry in ClinVar:

NM_001177316.2(SLC34A3):c.1785dup (p.Ser596fs)

Genes: SLC34A3 (solute carrier family 34 member 3; plus strand), LOC130003098 (ATAC-STARR-seq lymphoblastoid silent region 20596; plus strand). Cytogenetic location: 9q34.3.
Variant type: Duplication.
Coding change: c.1785dup on transcript NM_001177316.2 (MANE Select); coding-DNA position 1785, one base duplicated (C; older notation c.1785dupC).
Protein change: p.Ser596fs; shifts the reading frame from serine 596.
Molecular consequence: frameshift variant.
Genome position (GRCh38, 1-based): chr9:137,236,401, C duplicated; the last of 2 consecutive C bases (chr9:137,236,400-137,236,401); duplicating either gives the same sequence. VCF-style (leftmost placement, unchanged base first): chr9-137236399-G-GC. GRCh37 (hg19) VCF-style: chr9-140130851-G-GC.
Other names: c.1785dup, p.Ser596fs (NM_001177317.2, NM_080877.3); short protein forms S596fs.
Identifiers: ClinVar variation 1318766 (VCV001318766.6), dbSNP rs1564423602, ClinGen allele CA591374011.

ClinVar aggregate classification (germline): Uncertain significance. Review status: criteria provided, multiple submitters, no conflicts (2 of 4 stars). 2 submissions from 2 submitters: Uncertain significance (2). Last evaluated 2024-03-21.

Conditions:
Autosomal recessive hypophosphatemic bone disease (HHRH). Also called: Hypophosphatemic rickets with hypercalciuria; HYPERCALCIURIC RICKETS. Identifiers: Orphanet 157215, MedGen C1853271, MONDO:0009431, OMIM 241530.

Submissions (2):

Fulgent Genetics
Classification: Uncertain significance for Autosomal recessive hypophosphatemic bone disease. Last evaluated: 2024-03-21. Review status: criteria provided, single submitter. Criteria: ACMG Guidelines, 2015. Collection method: clinical testing. Allele origin: germline.

GeneDx
Classification: Uncertain significance. Last evaluated: 2023-08-30. Review status: criteria provided, single submitter. Criteria: GeneDx Variant Classification Process June 2021. Collection method: clinical testing. Allele origin: germline. Affected: yes.
Comment: Frameshift variant predicted to result in protein truncation as the last four amino acids are lost and replaced with nine incorrect amino acids, although loss-of-function variants have not been reported downstream of this position in the protein; Not observed at a significant frequency in large population cohorts (gnomAD); Has not been previously published as pathogenic or benign to our knowledge